The following is an entry in ClinVar:

NM_004006.3(DMD):c.2242G>C (p.Ala748Pro)

Gene: DMD (dystrophin; minus strand). Cytogenetic location: Xp21.1.
Variant type: single nucleotide variant.
Coding change: c.2242G>C on transcript NM_004006.3 (MANE Select); coding-DNA position 2242, G replaced by C.
Protein change: p.Ala748Pro; replaces alanine 748 with proline.
Molecular consequence: missense variant.
Genome position (GRCh38, 1-based): chrX:32,518,058, C>G on the plus strand (G>C on the coding strand, the complement: DMD is on the minus strand). VCF-style: chrX-32518058-C-G. GRCh37 (hg19) VCF-style: chrX-32536175-C-G.
Other names: c.2218G>C, p.Ala740Pro (NM_000109.4); c.2230G>C, p.Ala744Pro (NM_004009.3); c.1873G>C, p.Ala625Pro (NM_004010.3); short protein forms A740P, A748P, A625P, A744P.
Identifiers: ClinVar variation 3634854 (VCV003634854.2).

ClinVar aggregate classification (germline): Uncertain significance (1 of 4 stars; one submission).

Conditions:
Duchenne muscular dystrophy (DMD). Also called: MUSCULAR DYSTROPHY, PSEUDOHYPERTROPHIC PROGRESSIVE, DUCHENNE TYPE; Duchenne Muscular Dystrophy (DMD). Identifiers: Orphanet 98896, MedGen C0013264, MONDO:0010679, OMIM 310200.

Submission:

Labcorp Genetics (formerly Invitae), Labcorp
Classification: Uncertain significance for Duchenne muscular dystrophy. Last evaluated: 2024-11-22. Review status: criteria provided, single submitter. Criteria: Invitae Variant Classification Sherloc (09022015). Collection method: clinical testing. Allele origin: germline.
Comment: This sequence change replaces alanine, which is neutral and non-polar, with proline, which is neutral and non-polar, at codon 748 of the DMD protein (p.Ala748Pro). This variant is not present in population databases (gnomAD no frequency). This variant has not been reported in the literature in individuals affected with DMD-related conditions. Invitae Evidence Modeling of protein sequence and biophysical properties (such as structural, functional, and spatial information, amino acid conservation, physicochemical variation, residue mobility, and thermodynamic stability) indicates that this missense variant is not expected to disrupt DMD protein function with a negative predictive value of 95%. In summary, the available evidence is currently insufficient to determine the role of this variant in disease. Therefore, it has been classified as a Variant of Uncertain Significance.